The following is an entry in ClinVar:

NM_001127217.3(SMAD9):c.296C>T (p.Pro99Leu)

Gene: SMAD9 (SMAD family member 9; minus strand). Cytogenetic location: 13q13.3.
Variant type: single nucleotide variant.
Coding change: c.296C>T on transcript NM_001127217.3 (MANE Select); coding-DNA position 296, C replaced by T.
Protein change: p.Pro99Leu; replaces proline 99 with leucine.
Molecular consequence: missense variant.
Genome position (GRCh38, 1-based): chr13:36,879,394, G>A on the plus strand (C>T on the coding strand, the complement: SMAD9 is on the minus strand). VCF-style: chr13-36879394-G-A. GRCh37 (hg19) VCF-style: chr13-37453531-G-A.
Other names: c.296C>T, p.Pro99Leu (NM_001378621.1, NM_005905.6); short protein forms P99L.
Identifiers: ClinVar variation 2633941 (VCV002633941.1), dbSNP rs2058379549, ClinGen allele CA387852616.

ClinVar aggregate classification (germline): Uncertain significance (1 of 4 stars; one submission).

Conditions:
SMAD9-related disorder. Also called: SMAD9-related condition.

gnomAD v4.1: 3 of 1,614,054 alleles (0.00019%); highest among the groups gnomAD compares: Non-Finnish European, 0.00025%; no homozygotes.

Submission:

PreventionGenetics, part of Exact Sciences
Classification: Uncertain significance for SMAD9-related condition. Last evaluated: 2023-09-26. Review status: criteria provided, single submitter. Criteria: ACMG Guidelines, 2015. Collection method: clinical testing. Allele origin: germline.
Comment: The SMAD9 c.296C>T variant is predicted to result in the amino acid substitution p.Pro99Leu. This variant was reported in a large study of patients with idiopathy pulmonary arterial hypertension. A different missense change altering the same residue was reported in a patient from the same study (p.Pro99Ala; Gräf et al. 2018. PubMed ID: 29650961). The p.Pro99Leu variant has not been reported in a large population database, indicating this variant is rare. At this time, the clinical significance of this variant is uncertain due to the absence of conclusive functional and genetic evidence.